The following is an entry in ClinVar:

NM_152305.3(POGLUT1):c.206G>A (p.Arg69Gln)

Gene: POGLUT1 (protein O-glucosyltransferase 1; plus strand). Cytogenetic location: 3q13.33.
Variant type: single nucleotide variant.
Coding change: c.206G>A on transcript NM_152305.3 (MANE Select); coding-DNA position 206, G replaced by A.
Protein change: p.Arg69Gln; replaces arginine 69 with glutamine.
Molecular consequence: missense variant. On other transcripts: non-coding transcript variant (1).
Genome position (GRCh38, 1-based): chr3:119,471,338, G>A. VCF-style: chr3-119471338-G-A. GRCh37 (hg19) VCF-style: chr3-119190185-G-A.
Other names: c.206G>A, p.Arg69Gln (NM_020231.3); short protein forms R69Q.
Identifiers: ClinVar variation 1954762 (VCV001954762.5), dbSNP rs779712185, ClinGen allele CA2554779.
Genomic context (GRCh38, chr3:119,471,338, plus strand): 5'-GCTTTCCTTGATGACTCCCATTCTTTCCCAGTGTCATAGAAGAGGATCTAACTCCTTTCC[G>A]AGGAGGCATCTCCAGGAAGATGATGGCAGAGGTAGTCAGACGGAAGCTAGGGACCCACTA-3'
Protein context (NP_689518.1, residues 59-79): GVIEEDLTPF[Arg69Gln]GGISRKMMAE

ClinVar aggregate classification (germline): Uncertain significance (1 of 4 stars; one submission).

Allele frequency attached by ClinVar (database versions not stated): gnomAD 0.00001; gnomAD exomes 0.00001; TOPMed 0.00001; ExAC 0.00002.
gnomAD v4.1: 12 of 1,613,882 alleles (0.00074%); highest among the groups gnomAD compares: Middle Eastern, 0.016%; no homozygotes.

Submission:

Labcorp Genetics (formerly Invitae), Labcorp
Classification: Uncertain significance. Last evaluated: 2022-10-25. Review status: criteria provided, single submitter. Criteria: Invitae Variant Classification Sherloc (09022015). Collection method: clinical testing. Allele origin: germline.
Comment: In summary, the available evidence is currently insufficient to determine the role of this variant in disease. Therefore, it has been classified as a Variant of Uncertain Significance. Advanced modeling of protein sequence and biophysical properties (such as structural, functional, and spatial information, amino acid conservation, physicochemical variation, residue mobility, and thermodynamic stability) performed at Invitae indicates that this missense variant is not expected to disrupt POGLUT1 protein function. This variant has not been reported in the literature in individuals affected with POGLUT1-related conditions. This variant is present in population databases (rs779712185, gnomAD 0.004%). This sequence change replaces arginine, which is basic and polar, with glutamine, which is neutral and polar, at codon 69 of the POGLUT1 protein (p.Arg69Gln).